The following is an entry in ClinVar:

ClinVar aggregate classification (germline): Uncertain significance (1 of 4 stars; one submission).

Conditions:
Immunodeficiency 39 (IMD39). Identifiers: Orphanet 574918, MedGen C4225358, MONDO:0014597, OMIM 616345.

Submission:

Labcorp Genetics (formerly Invitae), Labcorp
Classification: Uncertain significance for Immunodeficiency 39. Last evaluated: 2024-01-04. Review status: criteria provided, single submitter. Criteria: Invitae Variant Classification Sherloc (09022015). Collection method: clinical testing. Allele origin: germline.
Comment: This sequence change falls in intron 6 of the IRF7 gene. It does not directly change the encoded amino acid sequence of the IRF7 protein. This variant is present in population databases (rs747546243, gnomAD 0.03%). This variant has not been reported in the literature in individuals affected with IRF7-related conditions. In summary, the available evidence is currently insufficient to determine the role of this variant in disease. Therefore, it has been classified as a Variant of Uncertain Significance.

NM_001572.5(IRF7):c.848-7CA[2]

Gene: IRF7 (interferon regulatory factor 7; minus strand). Cytogenetic location: 11p15.5.
Variant type: Microsatellite.
Coding change: c.848-7CA[2] on transcript NM_001572.5 (MANE Select); two copies in a row of the 2-base unit CA starting at c.848-7; the reference has three copies in a row; one copy, 2 bases deleted.
Molecular consequence: splice acceptor variant.
Genome position (GRCh38, 1-based): chr11:613,597-613,598, TG deleted on the plus strand (CA on the coding strand, the reverse complement: IRF7 is on the minus strand); deleting any 2 consecutive bases within chr11:613,597-613,602 gives the same sequence; the position shown is the placement nearest the transcript's 3' end. VCF-style (leftmost placement, unchanged base first): chr11-613596-CTG-C. GRCh37 (hg19) VCF-style: chr11-613596-CTG-C.
Other names: c.761-7CA[2] (NM_004029.4); c.887-7CA[2] (NM_004031.4).
Identifiers: ClinVar variation 2729456 (VCV002729456.3), dbSNP rs747546243, ClinGen allele CA5783656.